The following is an entry in ClinVar:

NM_058004.4(PI4KA):c.638C>T (p.Pro213Leu)

Gene: PI4KA (phosphatidylinositol 4-kinase alpha; minus strand). Cytogenetic location: 22q11.21.
Variant type: single nucleotide variant.
Coding change: c.638C>T on transcript NM_058004.4 (MANE Select); coding-DNA position 638, C replaced by T.
Protein change: p.Pro213Leu; replaces proline 213 with leucine.
Molecular consequence: missense variant.
Genome position (GRCh38, 1-based): chr22:20,819,792, G>A on the plus strand (C>T on the coding strand, the complement: PI4KA is on the minus strand). VCF-style: chr22-20819792-G-A. GRCh37 (hg19) VCF-style: chr22-21174080-G-A.
Other names: c.638C>T, p.Pro213Leu (NM_001362862.2, NM_001362863.2); short protein forms P213L.
Identifiers: ClinVar variation 1879001 (VCV001879001.1), dbSNP rs776980460, ClinGen allele CA10116745.

ClinVar aggregate classification (germline): Uncertain significance (1 of 4 stars; one submission).

Allele frequency attached by ClinVar (database versions not stated): ExAC 0.00001; gnomAD 0.00001; gnomAD exomes 0.00004.
gnomAD v4.1: 22 of 1,614,056 alleles (0.0014%); highest among the groups gnomAD compares: East Asian, 0.049%; no homozygotes.

Submission:

GeneDx
Classification: Uncertain significance. Last evaluated: 2022-07-15. Review status: criteria provided, single submitter. Criteria: GeneDx Variant Classification Process June 2021. Collection method: clinical testing. Allele origin: germline. Affected: yes.
Comment: In silico analysis supports that this missense variant does not alter protein structure/function; Has not been previously published as pathogenic or benign to our knowledge